The following is an entry in ClinVar:

ClinVar aggregate classification (germline): Likely benign. Review status: criteria provided, multiple submitters, no conflicts (2 of 4 stars). 2 submissions from 2 submitters: Likely benign (2). Last evaluated 2026-05-29.

Conditions:
KIF1B-related disorder. Also called: KIF1B-related condition.

gnomAD v4.1: 63 of 1,614,062 alleles (0.0039%); highest among the groups gnomAD compares: Non-Finnish European, 0.005%; no homozygotes.

Submissions (2):

PreventionGenetics, part of Exact Sciences
Classification: Likely benign for KIF1B-related condition. Last evaluated: 2026-05-29. Review status: criteria provided, single submitter. Criteria: ACMG Guidelines, 2015. Collection method: clinical testing. Allele origin: germline.
Comment: This variant is classified as likely benign based on ACMG/AMP sequence variant interpretation guidelines (Richards et al. 2015 PMID: 25741868, with internal and published modifications).

Blueprint Genetics
Classification: Likely benign. Last evaluated: 2024-05-14. Review status: criteria provided, single submitter. Criteria: ACMG Guidelines, 2015. Collection method: clinical testing. Allele origin: germline.

NM_001365951.3(KIF1B):c.2115+7101C>T

Gene: KIF1B (kinesin family member 1B; plus strand). Cytogenetic location: 1p36.22.
Variant type: single nucleotide variant.
Coding change: c.2115+7101C>T on transcript NM_001365951.3 (MANE Select); 7101 bases into the intron after coding-DNA position 2115, C replaced by T.
Molecular consequence: intron variant. On other transcripts: synonymous variant (2).
Genome position (GRCh38, 1-based): chr1:10,304,347, C>T. VCF-style: chr1-10304347-C-T. GRCh37 (hg19) VCF-style: chr1-10364405-C-T.
Other names: c.3162C>T (NM_183416.3); c.3162C>T, p.Leu1054= (NM_001365953.1, NM_183416.4); c.1977+7101C>T (NM_015074.3); c.2115+7101C>T (NM_001365952.1).
Identifiers: ClinVar variation 4954102 (VCV004954102.2).